The following is an entry in ClinVar:

ClinVar aggregate classification (germline): Uncertain significance (1 of 4 stars; one submission).

Conditions:
3-Oxo-5 alpha-steroid delta 4-dehydrogenase deficiency (PPSH). Also called: 46,XY disorder of sex development due to 5-alpha-reductase 2 deficiency; PSEUDOVAGINAL PERINEOSCROTAL HYPOSPADIAS; FAMILIAL INCOMPLETE MALE PSEUDOHERMAPHRODITISM, TYPE 2; MALE PSEUDOHERMAPHRODITISM DUE TO 5-ALPHA-REDUCTASE DEFICIENCY. Identifiers: Orphanet 753, MedGen C0268297, MONDO:0009923, OMIM 264600. Disease mechanism: loss of function.

Submission:

Labcorp Genetics (formerly Invitae), Labcorp
Classification: Uncertain significance for 3-Oxo-5 alpha-steroid delta 4-dehydrogenase deficiency. Last evaluated: 2021-11-04. Review status: criteria provided, single submitter. Criteria: Invitae Variant Classification Sherloc (09022015). Collection method: clinical testing. Allele origin: germline.
Comment: This sequence change replaces glycine with arginine at codon 21 of the SRD5A2 protein (p.Gly21Arg). The glycine residue is highly conserved and there is a moderate physicochemical difference between glycine and arginine. In summary, the available evidence is currently insufficient to determine the role of this variant in disease. Therefore, it has been classified as a Variant of Uncertain Significance. Experimental studies and prediction algorithms are not available or were not evaluated, and the functional significance of this variant is currently unknown. This missense change has been observed in individual(s) with steroid 5-alpha-reductase deficiency (PMID: 25899528; Invitae). In at least one individual the data is consistent with the variant being in trans (on the opposite chromosome) from a pathogenic variant. This variant is not present in population databases (gnomAD no frequency).

Literature cited by the submitters: PubMed 25899528.

NM_000348.4(SRD5A2):c.61G>C (p.Gly21Arg)

Gene: SRD5A2 (steroid 5 alpha-reductase 2; minus strand). Cytogenetic location: 2p23.1.
Variant type: single nucleotide variant.
Coding change: c.61G>C on transcript NM_000348.4 (MANE Select); coding-DNA position 61, G replaced by C.
Protein change: p.Gly21Arg; replaces glycine 21 with arginine.
Molecular consequence: missense variant.
Genome position (GRCh38, 1-based): chr2:31,580,840, C>G on the plus strand (G>C on the coding strand, the complement: SRD5A2 is on the minus strand). VCF-style: chr2-31580840-C-G. GRCh37 (hg19) VCF-style: chr2-31805909-C-G.
Other names: short protein forms G21R.
Identifiers: ClinVar variation 1431567 (VCV001431567.6), dbSNP rs1265216982, ClinGen allele CA346599190.